The following is an entry in ClinVar:

NM_016180.5(SLC45A2):c.1264T>C (p.Tyr422His)

Gene: SLC45A2 (solute carrier family 45 member 2; minus strand). Cytogenetic location: 5p13.2.
Variant type: single nucleotide variant.
Coding change: c.1264T>C on transcript NM_016180.5 (MANE Select); coding-DNA position 1264, T replaced by C.
Protein change: p.Tyr422His; replaces tyrosine 422 with histidine.
Molecular consequence: missense variant.
Genome position (GRCh38, 1-based): chr5:33,947,267, A>G on the plus strand (T>C on the coding strand, the complement: SLC45A2 is on the minus strand). VCF-style: chr5-33947267-A-G. GRCh37 (hg19) VCF-style: chr5-33947372-A-G.
Other names: c.1264T>C (NM_016180.3); c.1264T>C, p.Tyr422His (NM_001012509.4); short protein forms Y422H.
Identifiers: ClinVar variation 1373581 (VCV001373581.4), dbSNP rs758560526, ClinGen allele CA3225512.

ClinVar aggregate classification (germline): Uncertain significance. Review status: criteria provided, multiple submitters, no conflicts (2 of 4 stars). 2 submissions from 2 submitters: Uncertain significance (2). Last evaluated 2024-12-04.

Conditions:
Inborn genetic diseases. Identifiers: MedGen C0950123, MeSH D030342.

Allele frequency attached by ClinVar (database versions not stated): ExAC 0.00002; gnomAD 0.00001; gnomAD exomes 0.00001 and 0.00002.
gnomAD v4.1: 17 of 1,614,130 alleles (0.0011%); highest among the groups gnomAD compares: South Asian, 0.013%; no homozygotes.

Submissions (2):

Ambry Genetics
Classification: Uncertain significance for Inborn genetic diseases. Last evaluated: 2024-12-04. Review status: criteria provided, single submitter. Criteria: Ambry Variant Classification Scheme 2023. Collection method: clinical testing. Allele origin: germline.

Labcorp Genetics (formerly Invitae), Labcorp
Classification: Uncertain significance. Last evaluated: 2022-03-09. Review status: criteria provided, single submitter. Criteria: Invitae Variant Classification Sherloc (09022015). Collection method: clinical testing. Allele origin: germline.
Comment: This sequence change replaces tyrosine, which is neutral and polar, with histidine, which is basic and polar, at codon 422 of the SLC45A2 protein (p.Tyr422His). This variant is present in population databases (rs758560526, gnomAD 0.02%). This variant has not been reported in the literature in individuals affected with SLC45A2-related conditions. Algorithms developed to predict the effect of missense changes on protein structure and function are either unavailable or do not agree on the potential impact of this missense change (SIFT: "Deleterious"; PolyPhen-2: "Benign"; Align-GVGD: "Class C15"). In summary, the available evidence is currently insufficient to determine the role of this variant in disease. Therefore, it has been classified as a Variant of Uncertain Significance.